The following is an entry in ClinVar:

ClinVar aggregate classification (germline): Uncertain significance (1 of 4 stars; one submission).

Submission:

Labcorp Genetics (formerly Invitae), Labcorp
Classification: Uncertain significance. Last evaluated: 2023-08-22. Review status: criteria provided, single submitter. Criteria: Invitae Variant Classification Sherloc (09022015). Collection method: clinical testing. Allele origin: germline.
Comment: In summary, the available evidence is currently insufficient to determine the role of this variant in disease. Therefore, it has been classified as a Variant of Uncertain Significance. Variants that disrupt the consensus splice site are a relatively common cause of aberrant splicing (PMID: 17576681, 9536098). Algorithms developed to predict the effect of sequence changes on RNA splicing suggest that this variant may disrupt the consensus splice site. This variant has not been reported in the literature in individuals affected with SORL1-related conditions. This variant is not present in population databases (gnomAD no frequency). This sequence change falls in intron 7 of the SORL1 gene. It does not directly change the encoded amino acid sequence of the SORL1 protein. It affects a nucleotide within the consensus splice site.

Literature cited by the submitters: PubMed 17576681; PubMed 9536098.

NM_003105.6(SORL1):c.1041+5G>A

Gene: SORL1 (sortilin related receptor 1; plus strand). Cytogenetic location: 11q24.1.
Variant type: single nucleotide variant.
Coding change: c.1041+5G>A on transcript NM_003105.6 (MANE Select); 5 bases into the intron after coding-DNA position 1041, G replaced by A.
Molecular consequence: intron variant.
Genome position (GRCh38, 1-based): chr11:121,513,109, G>A. VCF-style: chr11-121513109-G-A. GRCh37 (hg19) VCF-style: chr11-121383818-G-A.
Identifiers: ClinVar variation 2754463 (VCV002754463.3), dbSNP rs2496814425, ClinGen allele CA2616496153.